The following is an entry in ClinVar:

NM_000059.4(BRCA2):c.6786G>C (p.Met2262Ile)

Gene: BRCA2 (BRCA2 DNA repair associated; plus strand). Cytogenetic location: 13q13.1.
Variant type: single nucleotide variant.
Coding change: c.6786G>C on transcript NM_000059.4 (MANE Select); coding-DNA position 6786, G replaced by C.
Protein change: p.Met2262Ile; replaces methionine 2262 with isoleucine.
Molecular consequence: missense variant. On other transcripts: non-coding transcript variant (1), intron variant (2).
Genome position (GRCh38, 1-based): chr13:32,341,141, G>C. VCF-style: chr13-32341141-G-C. GRCh37 (hg19) VCF-style: chr13-32915278-G-C.
Other names: c.6786G>C, p.Met2262Ile (NM_001406719.1, NM_001406720.1); c.1910-3417G>C (NM_001406721.1); c.425-3417G>C (NM_001406722.1); short protein forms M2262I.
Identifiers: ClinVar variation 2580680 (VCV002580680.2), dbSNP rs2072565373, ClinGen allele CA387791291.

ClinVar aggregate classification (germline): Uncertain significance. Review status: criteria provided, multiple submitters, no conflicts (2 of 4 stars). 2 submissions from 2 submitters: Uncertain significance (2). Last evaluated 2023-11-17.

Conditions:
Hereditary cancer-predisposing syndrome. Also called: Tumor predisposition; Hereditary neoplastic syndrome; Neoplastic Syndromes, Hereditary; Hereditary Cancer Syndrome. Identifiers: Orphanet 140162, MedGen C0027672, MeSH D009386, MONDO:0015356.

Submissions (2):

Ambry Genetics
Classification: Uncertain significance for Hereditary cancer-predisposing syndrome. Last evaluated: 2023-11-17. Review status: criteria provided, single submitter. Criteria: Ambry Variant Classification Scheme 2023. Collection method: clinical testing. Allele origin: germline.
Comment: The p.M2262I variant (also known as c.6786G>C), located in coding exon 10 of the BRCA2 gene, results from a G to C substitution at nucleotide position 6786. The methionine at codon 2262 is replaced by isoleucine, an amino acid with highly similar properties. This amino acid position is conserved. In addition, this alteration is predicted to be tolerated by in silico analysis. Since supporting evidence is limited at this time, the clinical significance of this alteration remains unclear.

GeneDx
Classification: Uncertain significance. Last evaluated: 2023-03-22. Review status: criteria provided, single submitter. Criteria: GeneDx Variant Classification Process June 2021. Collection method: clinical testing. Allele origin: germline. Affected: yes.
Comment: Not observed at significant frequency in large population cohorts (gnomAD); In silico analysis supports that this missense variant does not alter protein structure/function; Has not been previously published as pathogenic or benign to our knowledge; Also known as 7014G>C